The following is an entry in ClinVar:

NM_024426.6(WT1):c.522T>C (p.Thr174=)

Genes: WT1 (WT1 transcription factor; minus strand), LOC107982234 (WT1/WT1-AS bi-directional promoter region; plus strand). Cytogenetic location: 11p13.
Variant type: single nucleotide variant.
Coding change: c.522T>C on transcript NM_024426.6 (MANE Select); coding-DNA position 522, T replaced by C.
Protein change: p.Thr174=; no amino-acid change (threonine 174 retained).
Molecular consequence: synonymous variant. On other transcripts: non-coding transcript variant (1).
Genome position (GRCh38, 1-based): chr11:32,434,839, A>G on the plus strand (T>C on the coding strand, the complement: WT1 is on the minus strand). VCF-style: chr11-32434839-A-G. GRCh37 (hg19) VCF-style: chr11-32456385-A-G.
Other names: c.522T>C, p.Thr174= (NM_000378.6, NM_024424.5).
Identifiers: ClinVar variation 476708 (VCV000476708.21), dbSNP rs747958111, ClinGen allele CA065022.

ClinVar aggregate classification (germline): Likely benign. Review status: criteria provided, multiple submitters, no conflicts (2 of 4 stars). 3 submissions from 3 submitters: Likely benign (3). Last evaluated 2025-08-01.

Conditions:
Drash syndrome (DDS). Also called: WILMS TUMOR AND PSEUDO- OR TRUE HERMAPHRODITISM; NEPHROPATHY, WILMS TUMOR, AND GENITAL ANOMALIES. Identifiers: Orphanet 220, MedGen C0950121, MONDO:0008682, OMIM 194080.
Frasier syndrome. Identifiers: Orphanet 347, MedGen C0950122, MeSH D052159, MONDO:0007635, OMIM 136680.
Wilms tumor 1 (WT1). Also called: Wilms tumor, somatic. Identifiers: Orphanet 654, MedGen CN033288, MONDO:0008679, OMIM 194070.
11p partial monosomy syndrome (WAGR). Also called: WAGR Spectrum Disorder; WAGR syndrome; WAGR Complex; CHROMOSOME 11p13 DELETION SYNDROME. Identifiers: Orphanet 893, MedGen C0206115, MONDO:0008681, OMIM 194072.
Inborn genetic diseases. Identifiers: MedGen C0950123, MeSH D030342.

Allele frequency attached by ClinVar (database versions not stated): gnomAD exomes below 0.00001 and 0.00002; TOPMed below 0.00001; ExAC 0.00001.

Submissions (3):

CeGaT Center for Human Genetics Tuebingen
Classification: Likely benign. Last evaluated: 2025-08-01. Review status: criteria provided, single submitter. Criteria: CeGaT Center For Human Genetics Tuebingen Variant Classification Criteria Version 2. Collection method: clinical testing. Allele origin: germline. Affected: yes. Observed: 1 variant allele.
Comment: WT1: BP4, BP7

Ambry Genetics
Classification: Likely benign for Inborn genetic diseases. Last evaluated: 2025-02-02. Review status: criteria provided, single submitter. Criteria: Ambry Variant Classification Scheme 2023. Collection method: clinical testing. Allele origin: germline.

Labcorp Genetics (formerly Invitae), Labcorp
Classification: Likely benign for Wilms tumor 1; Drash syndrome; 11p partial monosomy syndrome; Frasier syndrome. Last evaluated: 2024-11-11. Review status: criteria provided, single submitter. Criteria: Invitae Variant Classification Sherloc (09022015). Collection method: clinical testing. Allele origin: germline.